The following is an entry in ClinVar:

ClinVar aggregate classification (germline): Uncertain significance. Review status: criteria provided, multiple submitters, no conflicts (2 of 4 stars). 2 submissions from 2 submitters: Uncertain significance (2). Last evaluated 2024-04-29.

Conditions:
Familial temporal lobe epilepsy 7. Identifiers: Orphanet 101046, MedGen C4225327, MONDO:0014639, OMIM 616436.
Norman-Roberts syndrome (LIS2). Also called: Lissencephaly 2 (Norman-Roberts type). Identifiers: Orphanet 89844, MedGen C0796089, MONDO:0009760, OMIM 257320.

Submissions (2):

Women's Health and Genetics/Laboratory Corporation of America, LabCorp
Classification: Uncertain significance. Last evaluated: 2024-04-29. Review status: criteria provided, single submitter. Criteria: LabCorp Variant Classification Summary - May 2015. Collection method: clinical testing. Allele origin: germline.
Comment: Variant summary: RELN c.4349T>C (p.Met1450Thr) results in a non-conservative amino acid change in the encoded protein sequence. Three of five in-silico tools predict a damaging effect of the variant on protein function. The variant was absent in 251390 control chromosomes. The available data on variant occurrences in the general population are insufficient to allow any conclusion about variant significance. To our knowledge, no occurrence of c.4349T>C in individuals affected with Epilepsy Familial Temporal Lobe 7 and no experimental evidence demonstrating its impact on protein function have been reported. ClinVar contains an entry for this variant (Variation ID: 2181290). Based on the evidence outlined above, the variant was classified as uncertain significance.

Labcorp Genetics (formerly Invitae), Labcorp
Classification: Uncertain significance for Familial temporal lobe epilepsy 7; Norman-Roberts syndrome. Last evaluated: 2022-10-10. Review status: criteria provided, single submitter. Criteria: Invitae Variant Classification Sherloc (09022015). Collection method: clinical testing. Allele origin: germline.
Comment: In summary, the available evidence is currently insufficient to determine the role of this variant in disease. Therefore, it has been classified as a Variant of Uncertain Significance. Advanced modeling of protein sequence and biophysical properties (such as structural, functional, and spatial information, amino acid conservation, physicochemical variation, residue mobility, and thermodynamic stability) performed at Invitae indicates that this missense variant is not expected to disrupt RELN protein function. This variant has not been reported in the literature in individuals affected with RELN-related conditions. This variant is not present in population databases (gnomAD no frequency). This sequence change replaces methionine, which is neutral and non-polar, with threonine, which is neutral and polar, at codon 1450 of the RELN protein (p.Met1450Thr).

NM_005045.4(RELN):c.4349T>C (p.Met1450Thr)

Gene: RELN (reelin; minus strand). Cytogenetic location: 7q22.1.
Variant type: single nucleotide variant.
Coding change: c.4349T>C on transcript NM_005045.4 (MANE Select); coding-DNA position 4349, T replaced by C.
Protein change: p.Met1450Thr; replaces methionine 1450 with threonine.
Molecular consequence: missense variant.
Genome position (GRCh38, 1-based): chr7:103,574,254, A>G on the plus strand (T>C on the coding strand, the complement: RELN is on the minus strand). VCF-style: chr7-103574254-A-G. GRCh37 (hg19) VCF-style: chr7-103214701-A-G.
Other names: c.4349T>C, p.Met1450Thr (NM_173054.3); short protein forms M1450T.
Identifiers: ClinVar variation 2181290 (VCV002181290.5), dbSNP rs2484755262, ClinGen allele CA368751215.